The following is an entry in ClinVar:

ClinVar aggregate classification (germline): Uncertain significance (1 of 4 stars; one submission).

gnomAD v4.1: 5 of 1,532,452 alleles (0.00033%); highest among the groups gnomAD compares: Non-Finnish European, 0.00044%; no homozygotes.

Submission:

Labcorp Genetics (formerly Invitae), Labcorp
Classification: Uncertain significance. Last evaluated: 2022-03-23. Review status: criteria provided, single submitter. Criteria: Invitae Variant Classification Sherloc (09022015). Collection method: clinical testing. Allele origin: germline.
Comment: In summary, the available evidence is currently insufficient to determine the role of this variant in disease. Therefore, it has been classified as a Variant of Uncertain Significance. Variants that disrupt the consensus splice site are a relatively common cause of aberrant splicing (PMID: 17576681, 9536098). Experimental studies and prediction algorithms are not available or were not evaluated, and the effect of this variant on mRNA splicing is currently unknown. This variant has not been reported in the literature in individuals affected with KIZ-related conditions. This variant is not present in population databases (gnomAD no frequency). This sequence change falls in intron 3 of the KIZ gene. It does not directly change the encoded amino acid sequence of the KIZ protein. It affects a nucleotide within the consensus splice site.

Literature cited by the submitters: PubMed 17576681; PubMed 9536098.

NM_018474.6(KIZ):c.315+5C>A

Genes: KIZ (kizuna centrosomal protein; plus strand), LOC130065509 (ATAC-STARR-seq lymphoblastoid active region 17619; plus strand). Cytogenetic location: 20p11.23.
Variant type: single nucleotide variant.
Coding change: c.315+5C>A on transcript NM_018474.6 (MANE Select); 5 bases into the intron after coding-DNA position 315, C replaced by A.
Molecular consequence: intron variant.
Genome position (GRCh38, 1-based): chr20:21,136,557, C>A. VCF-style: chr20-21136557-C-A. GRCh37 (hg19) VCF-style: chr20-21117198-C-A.
Other names: c.169-9008C>A (NM_001276389.2); c.-72+5C>A (NM_001352436.2); c.315+5C>A (NM_001352434.2); c.6+4398C>A (NM_001163022.3, NM_001352435.2, NM_001163023.3).
Identifiers: ClinVar variation 1388816 (VCV001388816.5), dbSNP rs1422046757, ClinGen allele CA2573156932.
Genomic context (GRCh38, chr20:21,136,557, plus strand): 5'-TCCAAGCTCATGTTGTACACTTCACCACAAATACAGAGAAGCTTCAAAAACTGAAGGTGA[C>A]TTCCTGTTTTTTACTGTGTTTTATTTTATTTGTTGTTGTGTGTTTTTTTTTTTTTCTTCA-3'